The following is an entry in ClinVar:

ClinVar aggregate classification (germline): Benign/Likely benign. Review status: criteria provided, multiple submitters, no conflicts (2 of 4 stars). 3 submissions from 3 submitters: Benign (1); Likely benign (2). Last evaluated 2026-07-10.

Conditions:
Rhabdoid tumor predisposition syndrome 2 (RTPS2). Identifiers: Orphanet 231108, Orphanet 69077, MedGen C2750074, MONDO:0013224, OMIM 613325.
Hereditary cancer-predisposing syndrome. Also called: Tumor predisposition; Neoplastic Syndromes, Hereditary; Hereditary Cancer Syndrome; Hereditary neoplastic syndrome. Identifiers: Orphanet 140162, MedGen C0027672, MeSH D009386, MONDO:0015356.

Allele frequency attached by ClinVar (database versions not stated): gnomAD 0.00002 and 0.00001; gnomAD exomes 0.00002 and below 0.00001; 1000 Genomes Project 0.00040; 1000 Genomes Project 30x 0.00062; TOPMed below 0.00001; ExAC 0.00002.
gnomAD v4.1: 6 of 1,614,046 alleles (0.00037%); highest among the groups gnomAD compares: African/African-American, 0.004%; no homozygotes.

Submissions (3):

Myriad Genetics, Inc.
Classification: Benign for Rhabdoid tumor predisposition syndrome 2. Last evaluated: 2026-07-10. Review status: criteria provided, single submitter. Criteria: Myriad Autosomal Dominant, Autosomal Recessive and X-Linked Classification Criteria (2023). Collection method: clinical testing. Allele origin: unknown.
Comment: This variant is considered benign. This variant is a silent/synonymous amino acid change and it is not expected to impact splicing.

Labcorp Genetics (formerly Invitae), Labcorp
Classification: Likely benign for Rhabdoid tumor predisposition syndrome 2. Last evaluated: 2025-11-17. Review status: criteria provided, single submitter. Criteria: Invitae Variant Classification Sherloc (09022015). Collection method: clinical testing. Allele origin: germline.

Ambry Genetics
Classification: Likely benign for Hereditary cancer-predisposing syndrome. Last evaluated: 2016-09-06. Review status: criteria provided, single submitter. Criteria: Ambry Variant Classification Scheme 2023. Collection method: clinical testing. Allele origin: germline.

NM_003072.5(SMARCA4):c.1863C>T (p.His621=)

Gene: SMARCA4 (SWI/SNF related BAF chromatin remodeling complex subunit ATPase 4; plus strand). Cytogenetic location: 19p13.2.
Variant type: single nucleotide variant.
Coding change: c.1863C>T on transcript NM_003072.5 (MANE Select); coding-DNA position 1863, C replaced by T.
Protein change: p.His621=; no amino-acid change (histidine 621 retained).
Molecular consequence: synonymous variant. On other transcripts: non-coding transcript variant (1).
Genome position (GRCh38, 1-based): chr19:11,003,079, C>T. VCF-style: chr19-11003079-C-T. GRCh37 (hg19) VCF-style: chr19-11113755-C-T.
Other names: c.1863C>T, p.His621= (NM_001128844.3, NM_001128845.2, NM_001128846.2 and 5 more transcripts).
Identifiers: ClinVar variation 484842 (VCV000484842.17), dbSNP rs199820703, ClinGen allele CA9203924.